The following is an entry in ClinVar:

ClinVar aggregate classification (germline): Pathogenic (1 of 4 stars; one submission).

Conditions:
RYR1-related disorder. Also called: RYR1-related condition; RYR1-related disorders. Identifiers: MedGen CN239331.

Submission:

Labcorp Genetics (formerly Invitae), Labcorp
Classification: Pathogenic for RYR1-related disorder. Last evaluated: 2023-06-16. Review status: criteria provided, single submitter. Criteria: Invitae Variant Classification Sherloc (09022015). Collection method: clinical testing. Allele origin: germline.
Comment: For these reasons, this variant has been classified as Pathogenic. This variant has not been reported in the literature in individuals affected with RYR1-related conditions. This variant is not present in population databases (gnomAD no frequency). This sequence change creates a premature translational stop signal (p.Ser24Alafs*94) in the RYR1 gene. It is expected to result in an absent or disrupted protein product. Loss-of-function variants in RYR1 are known to be pathogenic (PMID: 23919265, 25960145, 28818389, 30611313).

Literature cited by the submitters: PubMed 23919265; PubMed 25960145; PubMed 28818389; PubMed 30611313.

NM_000540.3(RYR1):c.70del (p.Ser24fs)

Gene: RYR1 (ryanodine receptor 1; plus strand). Cytogenetic location: 19q13.2.
Variant type: Deletion.
Coding change: c.70del on transcript NM_000540.3 (MANE Select); coding-DNA position 70, one base deleted (A; older notation c.70delA).
Protein change: p.Ser24fs; shifts the reading frame from serine 24.
Molecular consequence: frameshift variant.
Genome position (GRCh38, 1-based): chr19:38,440,769, A deleted. VCF-style (leftmost placement, unchanged base first): chr19-38440768-CA-C. GRCh37 (hg19) VCF-style: chr19-38931408-CA-C.
Other names: c.70del, p.Ser24fs (NM_001042723.2); short protein forms S24fs.
Identifiers: ClinVar variation 2919988 (VCV002919988.3), dbSNP rs2513956373, ClinGen allele CA2739276805.